The following is an entry in ClinVar:

ClinVar aggregate classification (germline): Uncertain significance (1 of 4 stars; one submission).

Submission:

Labcorp Genetics (formerly Invitae), Labcorp
Classification: Uncertain significance. Last evaluated: 2021-02-02. Review status: criteria provided, single submitter. Criteria: Invitae Variant Classification Sherloc (09022015). Collection method: clinical testing. Allele origin: germline.
Comment: This variant has not been reported in the literature in individuals with NEK2-related conditions. In summary, the available evidence is currently insufficient to determine the role of this variant in disease. Therefore, it has been classified as a Variant of Uncertain Significance. Algorithms developed to predict the effect of missense changes on protein structure and function are either unavailable or do not agree on the potential impact of this missense change (SIFT: "Deleterious"; PolyPhen-2: "Benign"; Align-GVGD: "Class C0"). This variant is not present in population databases (ExAC no frequency). This sequence change replaces glutamic acid with lysine at codon 267 of the NEK2 protein (p.Glu267Lys). The glutamic acid residue is moderately conserved and there is a small physicochemical difference between glutamic acid and lysine.

NM_002497.4(NEK2):c.799G>A (p.Glu267Lys)

Gene: NEK2 (NIMA related kinase 2; minus strand). Cytogenetic location: 1q32.3.
Variant type: single nucleotide variant.
Coding change: c.799G>A on transcript NM_002497.4 (MANE Select); coding-DNA position 799, G replaced by A.
Protein change: p.Glu267Lys; replaces glutamic acid 267 with lysine.
Molecular consequence: missense variant.
Genome position (GRCh38, 1-based): chr1:211,669,299, C>T on the plus strand (G>A on the coding strand, the complement: NEK2 is on the minus strand). VCF-style: chr1-211669299-C-T. GRCh37 (hg19) VCF-style: chr1-211842641-C-T.
Other names: c.799G>A, p.Glu267Lys (NM_001204182.2, NM_001204183.2); short protein forms E267K.
Identifiers: ClinVar variation 1461486 (VCV001461486.8), dbSNP rs2102443477, ClinGen allele CA344779298.